The following is an entry in ClinVar:

NM_000051.4(ATM):c.2796T>C (p.Asp932=)

Gene: ATM (ATM serine/threonine kinase; plus strand). Cytogenetic location: 11q22.3.
Variant type: single nucleotide variant.
Coding change: c.2796T>C on transcript NM_000051.4 (MANE Select); coding-DNA position 2796, T replaced by C.
Protein change: p.Asp932=; no amino-acid change (aspartic acid 932 retained).
Molecular consequence: synonymous variant.
Genome position (GRCh38, 1-based): chr11:108,268,567, T>C. VCF-style: chr11-108268567-T-C. GRCh37 (hg19) VCF-style: chr11-108139294-T-C.
Other names: c.2796T>C, p.Asp932= (NM_001351834.2).
Identifiers: ClinVar variation 746288 (VCV000746288.4), dbSNP rs1273202474, ClinGen allele CA476674001.

ClinVar aggregate classification (germline): Benign/Likely benign. Review status: criteria provided, multiple submitters, no conflicts (2 of 4 stars). 2 submissions from 2 submitters: Benign (1); Likely benign (1). Last evaluated 2024-05-10.

Conditions:
Familial cancer of breast. Also called: BREAST CANCER, FAMILIAL; hereditary breast carcinoma; Hereditary breast cancer. Identifiers: Orphanet 227535, MedGen C0346153, MONDO:0016419, OMIM 114480. Disease mechanism: loss of function.

Allele frequency attached by ClinVar (database versions not stated): gnomAD 0.00001.

Submissions (2):

Myriad Genetics, Inc.
Classification: Benign for Familial cancer of breast. Last evaluated: 2024-05-10. Review status: criteria provided, single submitter. Criteria: Myriad Autosomal Dominant, Autosomal Recessive and X-Linked Classification Criteria (2023). Collection method: clinical testing. Allele origin: unknown.
Comment: This variant is considered benign. This variant is a silent/synonymous amino acid change and it is not expected to impact splicing.

Labcorp Genetics (formerly Invitae), Labcorp
Classification: Likely benign. Last evaluated: 2018-03-30. Review status: criteria provided, single submitter. Criteria: Invitae Variant Classification Sherloc (09022015). Collection method: clinical testing. Allele origin: germline.